The following is an entry in ClinVar:

ClinVar aggregate classification (germline): Pathogenic. Review status: criteria provided, multiple submitters, no conflicts (2 of 4 stars). 2 submissions from 2 submitters: Pathogenic (2). Last evaluated 2023-05-19.

Conditions:
Familial cancer of breast. Also called: BREAST CANCER, FAMILIAL; Hereditary breast cancer; hereditary breast carcinoma. Identifiers: Orphanet 227535, MedGen C0346153, MONDO:0016419, OMIM 114480. Disease mechanism: loss of function.
Hereditary cancer-predisposing syndrome. Also called: Neoplastic Syndromes, Hereditary; Tumor predisposition; Hereditary neoplastic syndrome; Hereditary Cancer Syndrome. Identifiers: Orphanet 140162, MedGen C0027672, MeSH D009386, MONDO:0015356.

Submissions (2):

Myriad Genetics, Inc.
Classification: Pathogenic for Familial cancer of breast. Last evaluated: 2023-05-19. Review status: criteria provided, single submitter. Criteria: Myriad Autosomal Dominant, Autosomal Recessive and X-Linked Classification Criteria (2023). Collection method: clinical testing. Allele origin: unknown.
Comment: This variant is considered pathogenic. This variant creates a frameshift predicted to result in premature protein truncation.

Ambry Genetics
Classification: Pathogenic for Hereditary cancer-predisposing syndrome. Last evaluated: 2022-12-22. Review status: criteria provided, single submitter. Criteria: Ambry Variant Classification Scheme 2023. Collection method: clinical testing. Allele origin: germline.
Comment: The c.824dupT pathogenic mutation, located in coding exon 4 of the BARD1 gene, results from a duplication of T at nucleotide position 824, causing a translational frameshift with a predicted alternate stop codon (p.L275Ffs*3). This variant is considered to be rare based on population cohorts in the Genome Aggregation Database (gnomAD). This alteration is expected to result in loss of function by premature protein truncation or nonsense-mediated mRNA decay. As such, this alteration is interpreted as a disease-causing mutation.

NM_000465.4(BARD1):c.824dup (p.Leu275fs)

Gene: BARD1 (BRCA1 associated RING domain 1; minus strand). Cytogenetic location: 2q35.
Variant type: Duplication.
Coding change: c.824dup on transcript NM_000465.4 (MANE Select); coding-DNA position 824, one base duplicated (T; older notation c.824dupT).
Protein change: p.Leu275fs; shifts the reading frame from leucine 275.
Molecular consequence: frameshift variant. On other transcripts: non-coding transcript variant (2), intron variant (3).
Genome position (GRCh38, 1-based): chr2:214,781,050, A duplicated on the plus strand (T on the coding strand, the reverse complement: BARD1 is on the minus strand); the first of 3 consecutive A bases (chr2:214,781,050-214,781,052); duplicating any one gives the same sequence. VCF-style (leftmost placement, unchanged base first): chr2-214781049-T-TA. GRCh37 (hg19) VCF-style: chr2-215645773-T-TA.
Other names: c.767dup, p.Leu256fs (NM_001282543.2); c.158+28362dup (NM_001282548.2); c.215+16011dup (NM_001282545.2); c.364+11247dup (NM_001282549.2); short protein forms L256fs, L275fs.
Identifiers: ClinVar variation 2450469 (VCV002450469.4), dbSNP rs2469507806, ClinGen allele CA2580065674.